The following is an entry in ClinVar:

ClinVar aggregate classification (germline): Uncertain significance. Review status: criteria provided, multiple submitters, no conflicts (2 of 4 stars). 2 submissions from 2 submitters: Uncertain significance (2). Last evaluated 2026-01-13.

Conditions:
Hereditary cancer-predisposing syndrome. Also called: Tumor predisposition; Hereditary Cancer Syndrome; Neoplastic Syndromes, Hereditary; Hereditary neoplastic syndrome. Identifiers: Orphanet 140162, MedGen C0027672, MeSH D009386, MONDO:0015356.

Submissions (2):

Ambry Genetics
Classification: Uncertain significance for Hereditary cancer-predisposing syndrome. Last evaluated: 2026-01-13. Review status: criteria provided, single submitter. Criteria: Ambry Variant Classification Scheme 2023. Collection method: clinical testing. Allele origin: germline.
Comment: The p.A465V variant (also known as c.1394C>T), located in coding exon 14 of the POLE gene, results from a C to T substitution at nucleotide position 1394. The alanine at codon 465 is replaced by valine, an amino acid with similar properties. This amino acid position is highly conserved in available vertebrate species. In addition, the in silico prediction for this alteration is inconclusive. Based on the available evidence, the clinical significance of this variant remains unclear.

Labcorp Genetics (formerly Invitae), Labcorp
Classification: Uncertain significance. Last evaluated: 2025-05-29. Review status: criteria provided, single submitter. Criteria: Invitae Variant Classification Sherloc (09022015). Collection method: clinical testing. Allele origin: germline.
Comment: This sequence change replaces alanine, which is neutral and non-polar, with valine, which is neutral and non-polar, at codon 465 of the POLE protein (p.Ala465Val). This variant is not present in population databases (gnomAD no frequency). This variant has not been reported in the literature in individuals affected with POLE-related conditions. ClinVar contains an entry for this variant (Variation ID: 486971). Invitae Evidence Modeling of protein sequence and biophysical properties (such as structural, functional, and spatial information, amino acid conservation, physicochemical variation, residue mobility, and thermodynamic stability) indicates that this missense variant is expected to disrupt POLE protein function with a positive predictive value of 80%. In summary, the available evidence is currently insufficient to determine the role of this variant in disease. Therefore, it has been classified as a Variant of Uncertain Significance.

Literature cited by the submitters: PubMed 28218421 (cited by Ambry Genetics).

NM_006231.4(POLE):c.1394C>T (p.Ala465Val)

Gene: POLE (DNA polymerase epsilon, catalytic subunit; minus strand). Cytogenetic location: 12q24.33.
Variant type: single nucleotide variant.
Coding change: c.1394C>T on transcript NM_006231.4 (MANE Select); coding-DNA position 1394, C replaced by T.
Protein change: p.Ala465Val; replaces alanine 465 with valine.
Molecular consequence: missense variant.
Genome position (GRCh38, 1-based): chr12:132,673,243, G>A on the plus strand (C>T on the coding strand, the complement: POLE is on the minus strand). VCF-style: chr12-132673243-G-A. GRCh37 (hg19) VCF-style: chr12-133249829-G-A.
Other names: short protein forms A465V.
Identifiers: ClinVar variation 486971 (VCV000486971.12), dbSNP rs1555228490, ClinGen allele CA387358625.